The following is an entry in ClinVar:

NM_002734.5(PRKAR1A):c.318G>A (p.Thr106=)

Gene: PRKAR1A (protein kinase cAMP-dependent type I regulatory subunit alpha; plus strand). Cytogenetic location: 17q24.2.
Variant type: single nucleotide variant.
Coding change: c.318G>A on transcript NM_002734.5 (MANE Select); coding-DNA position 318, G replaced by A.
Protein change: p.Thr106=; no amino-acid change (threonine 106 retained).
Molecular consequence: synonymous variant.
Genome position (GRCh38, 1-based): chr17:68,522,896, G>A. VCF-style: chr17-68522896-G-A. GRCh37 (hg19) VCF-style: chr17-66519037-G-A.
Other names: c.318G>A, p.Thr106= (NM_001276289.2, NM_001276290.1, NM_001278433.2 and 4 more transcripts).
Identifiers: ClinVar variation 413790 (VCV000413790.18), dbSNP rs113994213, ClinGen allele CA8729208.

ClinVar aggregate classification (germline): Likely benign. Review status: criteria provided, multiple submitters, no conflicts (2 of 4 stars). 3 submissions from 3 submitters: Likely benign (3). Last evaluated 2026-06-01.

Conditions:
Hereditary cancer-predisposing syndrome. Also called: Tumor predisposition; Hereditary neoplastic syndrome; Hereditary Cancer Syndrome; Neoplastic Syndromes, Hereditary. Identifiers: Orphanet 140162, MedGen C0027672, MeSH D009386, MONDO:0015356.
Carney complex, type 1 (CNC1). Also called: CARNEY MYXOMA-ENDOCRINE COMPLEX; CARNEY COMPLEX, TYPE I. Identifiers: Orphanet 1359, MedGen C2607929, MONDO:0008057, OMIM 160980.

Allele frequency attached by ClinVar (database versions not stated): gnomAD exomes 0.00001 and 0.00002; TOPMed 0.00001; ExAC 0.00002.
gnomAD v4.1: 36 of 1,613,904 alleles (0.0022%); highest among the groups gnomAD compares: Middle Eastern, 0.017%; no homozygotes.

Submissions (3):

CeGaT Center for Human Genetics Tuebingen
Classification: Likely benign. Last evaluated: 2026-06-01. Review status: criteria provided, single submitter. Criteria: CeGaT Center For Human Genetics Tuebingen Variant Classification Criteria Version 2. Collection method: clinical testing. Allele origin: germline. Affected: yes. Observed: 1 variant allele.
Comment: PRKAR1A: BP4, BP7

Labcorp Genetics (formerly Invitae), Labcorp
Classification: Likely benign for Carney complex, type 1. Last evaluated: 2026-01-11. Review status: criteria provided, single submitter. Criteria: Invitae Variant Classification Sherloc (09022015). Collection method: clinical testing. Allele origin: germline.

Ambry Genetics
Classification: Likely benign for Hereditary cancer-predisposing syndrome. Last evaluated: 2018-04-24. Review status: criteria provided, single submitter. Criteria: Ambry Variant Classification Scheme 2023. Collection method: clinical testing. Allele origin: germline.